The following is an entry in ClinVar:

NM_017780.4(CHD7):c.677T>A (p.Phe226Tyr)

Gene: CHD7 (chromodomain helicase DNA binding protein 7; plus strand). Cytogenetic location: 8q12.2.
Variant type: single nucleotide variant.
Coding change: c.677T>A on transcript NM_017780.4 (MANE Select); coding-DNA position 677, T replaced by A.
Protein change: p.Phe226Tyr; replaces phenylalanine 226 with tyrosine.
Molecular consequence: missense variant.
Genome position (GRCh38, 1-based): chr8:60,742,109, T>A. VCF-style: chr8-60742109-T-A. GRCh37 (hg19) VCF-style: chr8-61654668-T-A.
Other names: c.677T>A, p.Phe226Tyr (NM_001316690.1); short protein forms F226Y.
Identifiers: ClinVar variation 2861986 (VCV002861986.3), dbSNP rs2487267851, ClinGen allele CA371298776.

ClinVar aggregate classification (germline): Uncertain significance (1 of 4 stars; one submission).

Conditions:
CHARGE syndrome (CHARGE). Also called: Hittner Hirsch Kreh syndrome; CHARGE ASSOCIATION--COLOBOMA, HEART ANOMALY, CHOANAL ATRESIA, RETARDATION, GENITAL AND EAR ANOMALIES; Coloboma, heart anomaly, choanal atresia, retardation, genital and ear anomalies; CHARGE association; Hall-Hittner syndrome. Identifiers: Orphanet 138, MedGen C0265354, MONDO:0008965.

Submission:

Labcorp Genetics (formerly Invitae), Labcorp
Classification: Uncertain significance for CHARGE syndrome. Last evaluated: 2023-12-21. Review status: criteria provided, single submitter. Criteria: Invitae Variant Classification Sherloc (09022015). Collection method: clinical testing. Allele origin: germline.
Comment: This sequence change replaces phenylalanine, which is neutral and non-polar, with tyrosine, which is neutral and polar, at codon 226 of the CHD7 protein (p.Phe226Tyr). This variant is not present in population databases (gnomAD no frequency). This variant has not been reported in the literature in individuals affected with CHD7-related conditions. Advanced modeling of protein sequence and biophysical properties (such as structural, functional, and spatial information, amino acid conservation, physicochemical variation, residue mobility, and thermodynamic stability) performed at Invitae indicates that this missense variant is not expected to disrupt CHD7 protein function with a negative predictive value of 95%. In summary, the available evidence is currently insufficient to determine the role of this variant in disease. Therefore, it has been classified as a Variant of Uncertain Significance.